The following is an entry in ClinVar:

ClinVar aggregate classification (germline): Benign/Likely benign. Review status: criteria provided, multiple submitters, no conflicts (2 of 4 stars). 16 submissions from 12 submitters: Benign (14); Likely benign (1). 1 of the submissions does not count toward it. Last evaluated 2026-02-04.

Conditions:
Usher syndrome type 1 (USH1). Also called: RETINITIS PIGMENTOSA AND CONGENITAL DEAFNESS. Identifiers: Orphanet 231169, Orphanet 886, MedGen C1568247, MONDO:0010168, OMIM 276900.
Usher syndrome type 1B (USH1B). Also called: Usher syndrome type IB. Identifiers: MedGen C1848638, MONDO:0700087.
Autosomal recessive nonsyndromic hearing loss 2. Also called: DEAFNESS, AUTOSOMAL RECESSIVE 2; NEUROSENSORY NONSYNDROMIC RECESSIVE DEAFNESS 2. Identifiers: Orphanet 90636, MedGen C1838701, MONDO:0010807, OMIM 600060.
Autosomal dominant nonsyndromic hearing loss 11. Identifiers: Orphanet 90635, MedGen C1832475, MONDO:0011032, OMIM 601317.

Allele frequency attached by ClinVar (database versions not stated): TOPMed 0.53898; ESP Exome Variant Server 0.54921; 1000 Genomes Project 0.49900; 1000 Genomes Project 30x 0.50671.
gnomAD v4.1: 756,886 of 1,602,936 alleles (47%); highest among the groups gnomAD compares: African/African-American, 70%; 184,200 homozygotes.

Submissions (16):

Labcorp Genetics (formerly Invitae), Labcorp
Classification: Benign. Last evaluated: 2026-02-04. Review status: criteria provided, single submitter. Criteria: Invitae Variant Classification Sherloc (09022015). Collection method: clinical testing. Allele origin: germline.

Women's Health and Genetics/Laboratory Corporation of America, LabCorp
Classification: Likely benign. Last evaluated: 2025-05-22. Review status: criteria provided, single submitter. Criteria: LabCorp Variant Classification Summary - May 2015. Collection method: clinical testing. Allele origin: germline.

Genome-Nilou Lab
Classification: Benign for Autosomal dominant nonsyndromic hearing loss 11. Last evaluated: 2021-07-01. Review status: criteria provided, single submitter. Criteria: ACMG Guidelines, 2015. Collection method: clinical testing. Allele origin: germline. Affected: no.

Genome-Nilou Lab
Classification: Benign for Autosomal recessive nonsyndromic hearing loss 2. Last evaluated: 2021-07-01. Review status: criteria provided, single submitter. Criteria: ACMG Guidelines, 2015. Collection method: clinical testing. Allele origin: germline. Affected: no.

Genome-Nilou Lab
Classification: Benign for Usher syndrome type 1. Last evaluated: 2021-07-01. Review status: criteria provided, single submitter. Criteria: ACMG Guidelines, 2015. Collection method: clinical testing. Allele origin: germline. Affected: no.

Mayo Clinic Laboratories, Mayo Clinic
Classification: Benign. Last evaluated: 2020-08-28. Review status: criteria provided, single submitter. Criteria: ACMG Guidelines, 2015. Collection method: clinical testing. Allele origin: germline. Observed: 118 variant alleles.

Mendelics
Classification: Benign for Autosomal recessive nonsyndromic hearing loss 2. Last evaluated: 2019-05-28. Review status: criteria provided, single submitter. Criteria: Mendelics Assertion Criteria 2017. Collection method: clinical testing. Allele origin: unknown.

Illumina Laboratory Services, Illumina
Classification: Benign for Autosomal dominant nonsyndromic hearing loss 11. Last evaluated: 2018-01-13. Review status: criteria provided, single submitter. Criteria: ICSL Variant Classification Criteria 13 December 2019. Collection method: clinical testing. Allele origin: germline.
Comment: This variant was observed in the ICSL laboratory as part of a predisposition screen in an ostensibly healthy population. It had not been previously curated by ICSL or reported in the Human Gene Mutation Database (HGMD: prior to June 1st, 2018), and was therefore a candidate for classification through an automated scoring system. Utilizing variant allele frequency, disease prevalence and penetrance estimates, and inheritance mode, an automated score was calculated to assess if this variant is too frequent to cause the disease. Based on the score and internal cut-off values, a variant classified as benign is not then subjected to further curation. The score for this variant resulted in a classification of benign for this disease.

Illumina Laboratory Services, Illumina
Classification: Benign for Usher syndrome type 1. Last evaluated: 2018-01-13. Review status: criteria provided, single submitter. Criteria: ICSL Variant Classification Criteria 13 December 2019. Collection method: clinical testing. Allele origin: germline.
Comment: the same text as in the submission from Illumina Laboratory Services, Illumina above.

Illumina Laboratory Services, Illumina
Classification: Benign for Autosomal recessive nonsyndromic hearing loss 2. Last evaluated: 2018-01-13. Review status: criteria provided, single submitter. Criteria: ICSL Variant Classification Criteria 13 December 2019. Collection method: clinical testing. Allele origin: germline.
Comment: the same text as in the submission from Illumina Laboratory Services, Illumina above.

GeneDx
Classification: Benign. Last evaluated: 2015-03-03. Review status: criteria provided, single submitter. Criteria: GeneDx Variant Classification Process June 2021. Collection method: clinical testing. Allele origin: germline. Affected: yes.

Eurofins Ntd Llc (ga)
Classification: Benign. Last evaluated: 2014-11-19. Review status: criteria provided, single submitter. Criteria: EGL Classification Definitions 2015. Collection method: clinical testing. Allele origin: germline. Observed: 2 variant alleles, 2 heterozygotes.

Laboratory for Molecular Medicine, Mass General Brigham Personalized Medicine
Classification: Benign. Last evaluated: 2006-10-28. Review status: criteria provided, single submitter. Criteria: LMM Criteria. Collection method: clinical testing. Allele origin: germline. Observed: 1,632 variant alleles.

Breakthrough Genomics
Classification: Benign. Review status: criteria provided, single submitter. Criteria: ACMG Guidelines, 2015. Collection method: not provided. Allele origin: germline. Inheritance: Autosomal recessive inheritance. Affected: yes.

PreventionGenetics, part of Exact Sciences
Classification: Benign. Review status: criteria provided, single submitter. Criteria: ACMG Guidelines, 2015. Collection method: clinical testing. Allele origin: germline.

Natera, Inc.
Classification: Benign for Usher syndrome type 1B. Last evaluated: 2020-09-16. Review status: no assertion criteria provided. Collection method: clinical testing. Allele origin: germline. Not counted in ClinVar's aggregate classification.

NM_000260.4(MYO7A):c.5860C>A (p.Leu1954Ile)

Gene: MYO7A (myosin VIIA; plus strand). Cytogenetic location: 11q13.5.
Variant type: single nucleotide variant.
Coding change: c.5860C>A on transcript NM_000260.4 (MANE Select); coding-DNA position 5860, C replaced by A.
Protein change: p.Leu1954Ile; replaces leucine 1954 with isoleucine.
Molecular consequence: missense variant.
Genome position (GRCh38, 1-based): chr11:77,208,433, C>A. VCF-style: chr11-77208433-C-A. GRCh37 (hg19) VCF-style: chr11-76919478-C-A.
Other names: c.5746C>A, p.Leu1916Ile (NM_001127180.2); c.5713C>A, p.Leu1905Ile (NM_001369365.1); short protein forms L1954I, L1916I, L1905I.
Identifiers: ClinVar variation 43304 (VCV000043304.30), dbSNP rs948962, ClinGen allele CA132405.
Genomic context (GRCh38, chr11:77,208,433, plus strand): 5'-AGGTCAGAAAATGCAGTGTTGCTTAAACTGAGTGTGCTTCGATGGCCCTGACCCCAGGTC[C>A]TCAGCGTTCCTGAGAATGACTTCTTCTTTGACTTTGTTCGACACTTGACAGACTGGATAA-3'
Protein context (NP_000251.3, residues 1944-1964): SLFVKIADKV[Leu1954Ile]SVPENDFFFD